The following is an entry in ClinVar:

NM_001278512.2(AP3B2):c.771+9_771+18delinsC

Genes: AP3B2 (adaptor related protein complex 3 subunit beta 2; minus strand), CPEB1-AS1 (CPEB1 antisense RNA 1; plus strand). Cytogenetic location: 15q25.2.
Variant type: Indel.
Coding change: c.771+9_771+18delinsC on transcript NM_001278512.2 (MANE Select); bases 9 to 18 of the intron after coding-DNA position 771, GCCCAGCCCA replaced by C.
Molecular consequence: intron variant.
Genome position (GRCh38, 1-based): chr15:82,680,819-82,680,828, TGGGCTGGGC replaced by G on the plus strand (GCCCAGCCCA replaced by C on the coding strand, the reverse complement: AP3B2 is on the minus strand). VCF-style: chr15-82680819-TGGGCTGGGC-G. GRCh37 (hg19) VCF-style: chr15-83349571-TGGGCTGGGC-G.
Other names: c.675+9_675+18delinsC (NM_001278511.2); c.771+9_771+18delinsC (NM_004644.5).
Identifiers: ClinVar variation 3032162 (VCV003032162.2), dbSNP rs2548711776, ClinGen allele CA2740096743.

ClinVar aggregate classification (germline): Likely benign (0 of 4 stars; one submission).

Conditions:
AP3B2-related disorder. Also called: AP3B2-related condition.

Submission:

PreventionGenetics, part of Exact Sciences
Classification: Likely benign for AP3B2-related condition. Last evaluated: 2020-09-30. Review status: no assertion criteria provided. Collection method: clinical testing. Allele origin: germline.
Comment: This variant is classified as likely benign based on ACMG/AMP sequence variant interpretation guidelines (Richards et al. 2015 PMID: 25741868, with internal and published modifications).